The following is an entry in ClinVar:

NM_152490.5(B3GALNT2):c.1039A>C (p.Thr347Pro)

Gene: B3GALNT2 (beta-1,3-N-acetylgalactosaminyltransferase 2; minus strand). Cytogenetic location: 1q42.3.
Variant type: single nucleotide variant.
Coding change: c.1039A>C on transcript NM_152490.5 (MANE Select); coding-DNA position 1039, A replaced by C.
Protein change: p.Thr347Pro; replaces threonine 347 with proline.
Molecular consequence: missense variant.
Genome position (GRCh38, 1-based): chr1:235,455,671, T>G on the plus strand (A>C on the coding strand, the complement: B3GALNT2 is on the minus strand). VCF-style: chr1-235455671-T-G. GRCh37 (hg19) VCF-style: chr1-235618983-T-G.
Other names: short protein forms T347P.
Identifiers: ClinVar variation 1999698 (VCV001999698.4), dbSNP rs1415611009, ClinGen allele CA344958247.

ClinVar aggregate classification (germline): Uncertain significance (1 of 4 stars; one submission).

Conditions:
Muscular dystrophy-dystroglycanopathy (congenital with brain and eye anomalies), type a, 11 (MDDGA11). Also called: Congenital muscular dystrophy-dystroglycanopathy with brain and eye anomalies, type A11; WALKER-WARBURG SYNDROME OR MUSCLE-EYE-BRAIN DISEASE, B3GALNT2-RELATED; Muscular dystrophy-dystroglycanopathy (congenital with brain and eye anomalies, type A, 11. Identifiers: Orphanet 588, Orphanet 899, MedGen C3554638, MONDO:0014071, OMIM 615181.

Submission:

Labcorp Genetics (formerly Invitae), Labcorp
Classification: Uncertain significance for Muscular dystrophy-dystroglycanopathy (congenital with brain and eye anomalies), type a, 11. Last evaluated: 2022-11-28. Review status: criteria provided, single submitter. Criteria: Invitae Variant Classification Sherloc (09022015). Collection method: clinical testing. Allele origin: germline.
Comment: This sequence change replaces threonine, which is neutral and polar, with proline, which is neutral and non-polar, at codon 347 of the B3GALNT2 protein (p.Thr347Pro). This variant is not present in population databases (gnomAD no frequency). This variant has not been reported in the literature in individuals affected with B3GALNT2-related conditions. Advanced modeling of protein sequence and biophysical properties (such as structural, functional, and spatial information, amino acid conservation, physicochemical variation, residue mobility, and thermodynamic stability) performed at Invitae indicates that this missense variant is not expected to disrupt B3GALNT2 protein function. In summary, the available evidence is currently insufficient to determine the role of this variant in disease. Therefore, it has been classified as a Variant of Uncertain Significance.